The following is an entry in ClinVar:

NM_018136.5(ASPM):c.5579C>T (p.Ala1860Val)

Gene: ASPM (assembly factor for spindle microtubules; minus strand). Cytogenetic location: 1q31.3.
Variant type: single nucleotide variant.
Coding change: c.5579C>T on transcript NM_018136.5 (MANE Select); coding-DNA position 5579, C replaced by T.
Protein change: p.Ala1860Val; replaces alanine 1860 with valine.
Molecular consequence: missense variant. On other transcripts: intron variant (1).
Genome position (GRCh38, 1-based): chr1:197,103,672, G>A on the plus strand (C>T on the coding strand, the complement: ASPM is on the minus strand). VCF-style: chr1-197103672-G-A. GRCh37 (hg19) VCF-style: chr1-197072802-G-A.
Other names: c.4066-7508C>T (NM_001206846.2); short protein forms A1860V.
Identifiers: ClinVar variation 157836 (VCV000157836.22), dbSNP rs77138363, ClinGen allele CA171218.

ClinVar aggregate classification (germline): Benign. Review status: criteria provided, multiple submitters, no conflicts (2 of 4 stars). 8 submissions from 8 submitters: Benign (8). Last evaluated 2026-01-22.

Conditions:
Microcephaly 5, primary, autosomal recessive (MCPH5). Also called: ASPM Primary Microcephaly. Identifiers: Orphanet 2512, MedGen C1837501, MONDO:0012106, OMIM 608716.

Allele frequency attached by ClinVar (database versions not stated): ExAC 0.00572; gnomAD 0.01436 and 0.01515; ESP Exome Variant Server 0.01507; TOPMed 0.01510; 1000 Genomes Project 0.01518; 1000 Genomes Project 30x 0.01608.
gnomAD v4.1: 5,075 of 1,612,742 alleles (0.31%); highest among the groups gnomAD compares: African/African-American, 4.6%; 99 homozygotes.

Submissions (8):

Labcorp Genetics (formerly Invitae), Labcorp
Classification: Benign. Last evaluated: 2026-01-22. Review status: criteria provided, single submitter. Criteria: Invitae Variant Classification Sherloc (09022015). Collection method: clinical testing. Allele origin: germline.

Genome-Nilou Lab
Classification: Benign for Microcephaly 5, primary, autosomal recessive. Last evaluated: 2023-04-11. Review status: criteria provided, single submitter. Criteria: ACMG Guidelines, 2015. Collection method: clinical testing. Allele origin: germline. Affected: no.

Athena Diagnostics
Classification: Benign. Last evaluated: 2019-07-08. Review status: criteria provided, single submitter. Criteria: Athena Diagnostics Criteria. Collection method: clinical testing. Allele origin: germline.

Illumina Laboratory Services, Illumina
Classification: Benign for Microcephaly 5, primary, autosomal recessive. Last evaluated: 2018-01-12. Review status: criteria provided, single submitter. Criteria: ICSL Variant Classification Criteria 13 December 2019. Collection method: clinical testing. Allele origin: germline.
Comment: This variant was observed in the ICSL laboratory as part of a predisposition screen in an ostensibly healthy population. It had not been previously curated by ICSL or reported in the Human Gene Mutation Database (HGMD: prior to June 1st, 2018), and was therefore a candidate for classification through an automated scoring system. Utilizing variant allele frequency, disease prevalence and penetrance estimates, and inheritance mode, an automated score was calculated to assess if this variant is too frequent to cause the disease. Based on the score and internal cut-off values, a variant classified as benign is not then subjected to further curation. The score for this variant resulted in a classification of benign for this disease.

Center for Pediatric Genomic Medicine, Children's Mercy Hospital and Clinics
Classification: Benign. Last evaluated: 2017-04-19. Review status: criteria provided, single submitter. Criteria: ACMG Guidelines, 2015. Collection method: clinical testing. Allele origin: germline.

GeneDx
Classification: Benign. Last evaluated: 2015-09-18. Review status: criteria provided, single submitter. Criteria: GeneDx Variant Classification (06012015). Collection method: clinical testing. Allele origin: germline. Affected: yes.
Comment: This variant is considered likely benign or benign based on one or more of the following criteria: it is a conservative change, it occurs at a poorly conserved position in the protein, it is predicted to be benign by multiple in silico algorithms, and/or has population frequency not consistent with disease.

Genetic Services Laboratory, University of Chicago
Classification: Benign. Last evaluated: 2013-02-08. Review status: criteria provided, single submitter. Criteria: ACMG Guidelines, 2007. Collection method: clinical testing. Allele origin: germline. Inheritance: Autosomal recessive inheritance.

Breakthrough Genomics
Classification: Benign. Review status: criteria provided, single submitter. Criteria: ACMG Guidelines, 2015. Collection method: not provided. Allele origin: germline. Inheritance: Autosomal recessive inheritance. Affected: yes.